The following is an entry in ClinVar:

NM_024334.3(TMEM43):c.265G>A (p.Val89Met)

Gene: TMEM43 (transmembrane protein 43; plus strand). Cytogenetic location: 3p25.1.
Variant type: single nucleotide variant.
Coding change: c.265G>A on transcript NM_024334.3 (MANE Select); coding-DNA position 265, G replaced by A.
Protein change: p.Val89Met; replaces valine 89 with methionine.
Molecular consequence: missense variant.
Genome position (GRCh38, 1-based): chr3:14,130,924, G>A. VCF-style: chr3-14130924-G-A. GRCh37 (hg19) VCF-style: chr3-14172424-G-A.
Other names: short protein forms V89M.
Identifiers: ClinVar variation 534765 (VCV000534765.20), dbSNP rs147319971, ClinGen allele CA052413.

ClinVar aggregate classification (germline): Conflicting classifications of pathogenicity. Review status: criteria provided, conflicting classifications (1 of 4 stars). 8 submissions from 8 submitters: Uncertain significance (2); Benign (1); Likely benign (5). Last evaluated 2026-09-23.

Conditions:
Cardiovascular phenotype. Identifiers: MedGen CN230736.
Auditory neuropathy, autosomal dominant 3 (AUNA3). Identifiers: MedGen C5676964, MONDO:0859235, OMIM 619832.
Emery-Dreifuss muscular dystrophy 7, autosomal dominant (EDMD7). Also called: Emery-Dreifuss muscular dystrophy 7, AD. Identifiers: Orphanet 261, MedGen C3553060, MONDO:0013677, OMIM 614302.
Arrhythmogenic right ventricular dysplasia 5. Also called: Arrhythmogenic Right Ventricular Dysplasia/Cardiomyopathy 5; ARRHYTHMOGENIC RIGHT VENTRICULAR DYSPLASIA, FAMILIAL, 5. Identifiers: MedGen C1858379, MONDO:0011459, OMIM 604400.
Cardiomyopathy (CMYO). Also called: Cardiomyopathies. Identifiers: Orphanet 167848, MedGen C0878544, MONDO:0004994, HP:0001638. Inheritance: Various modes of inheritance.
TMEM43-related disorder. Also called: TMEM43-related condition.

Allele frequency attached by ClinVar (database versions not stated): ESP Exome Variant Server 0.00008; TOPMed 0.00008; 1000 Genomes Project 30x 0.00031; 1000 Genomes Project 0.00040.
gnomAD v4.1: 146 of 1,613,218 alleles (0.0091%); highest among the groups gnomAD compares: East Asian, 0.31%; no homozygotes.

Submissions (8):

PreventionGenetics, part of Exact Sciences
Classification: Uncertain significance for TMEM43-related condition. Last evaluated: 2026-09-23. Review status: criteria provided, single submitter. Criteria: ACMG Guidelines, 2015. Collection method: clinical testing. Allele origin: germline.
Comment: The TMEM43 c.265G>A variant is predicted to result in the amino acid substitution p.Val89Met. This variant was reported in an individual with Arrhythmogenic right ventricular cardiomyopathy (Table S2, Kapplinger et al. 2011. PubMed ID: 21636032; Table S, Ye et al. 2019. PubMed ID: 31402444). This variant is reported in 0.10% of alleles in individuals of East Asian descent in gnomAD. Although we suspect that this variant may be benign, at this time, the clinical significance of this variant is uncertain due to the absence of conclusive functional and genetic evidence.

Labcorp Genetics (formerly Invitae), Labcorp
Classification: Likely benign for Arrhythmogenic right ventricular dysplasia 5. Last evaluated: 2025-12-08. Review status: criteria provided, single submitter. Criteria: Invitae Variant Classification Sherloc (09022015). Collection method: clinical testing. Allele origin: germline.

ARUP Laboratories, Molecular Genetics and Genomics, ARUP Laboratories
Classification: Likely benign. Last evaluated: 2025-04-11. Review status: criteria provided, single submitter. Criteria: ARUP Molecular Germline Variant Investigation Process 2024. Collection method: clinical testing. Allele origin: germline.

Blueprint Genetics
Classification: Likely benign. Last evaluated: 2024-10-31. Review status: criteria provided, single submitter. Criteria: ACMG Guidelines, 2015. Collection method: clinical testing. Allele origin: germline.

GeneDx
Classification: Uncertain significance. Last evaluated: 2024-10-07. Review status: criteria provided, single submitter. Criteria: GeneDx Variant Classification Process June 2021. Collection method: clinical testing. Allele origin: germline. Affected: yes.
Comment: In silico analysis supports that this missense variant has a deleterious effect on protein structure/function; This variant is associated with the following publications: (PMID: 21636032, 26840987, 31402444, 38296580)

Ambry Genetics
Classification: Benign for Cardiovascular phenotype. Last evaluated: 2021-10-28. Review status: criteria provided, single submitter. Criteria: Ambry Variant Classification Scheme 2023. Collection method: clinical testing. Allele origin: germline.

Fulgent Genetics
Classification: Likely benign for Arrhythmogenic right ventricular dysplasia 5; Emery-Dreifuss muscular dystrophy 7, autosomal dominant; Auditory neuropathy, autosomal dominant 3. Last evaluated: 2021-07-23. Review status: criteria provided, single submitter. Criteria: ACMG Guidelines, 2015. Collection method: clinical testing. Allele origin: unknown.

Color Diagnostics, LLC DBA Color Health
Classification: Likely benign for Cardiomyopathy. Last evaluated: 2018-12-10. Review status: criteria provided, single submitter. Criteria: ACMG Guidelines, 2015. Collection method: clinical testing. Allele origin: germline.

Literature cited by the submitters: PubMed 21636032 (cited by Ambry Genetics); PubMed 26840987 (cited by Ambry Genetics).